The following is an entry in ClinVar:

NM_004656.4(BAP1):c.1539A>G (p.Ser513=)

Gene: BAP1 (BRCA1 associated deubiquitinase 1; minus strand). Cytogenetic location: 3p21.1.
Variant type: single nucleotide variant.
Coding change: c.1539A>G on transcript NM_004656.4 (MANE Select); coding-DNA position 1539, A replaced by G.
Protein change: p.Ser513=; no amino-acid change (serine 513 retained).
Molecular consequence: synonymous variant.
Genome position (GRCh38, 1-based): chr3:52,403,606, T>C on the plus strand (A>G on the coding strand, the complement: BAP1 is on the minus strand). VCF-style: chr3-52403606-T-C. GRCh37 (hg19) VCF-style: chr3-52437622-T-C.
Other names: c.1485A>G, p.Ser495= (NM_001410772.1).
Identifiers: ClinVar variation 3379037 (VCV003379037.1).

ClinVar aggregate classification (germline): Benign (1 of 4 stars; one submission).

Conditions:
BAP1-related tumor predisposition syndrome (TPDS1). Also called: BAP1 tumor predisposition syndrome; Tumor susceptibility linked to germline BAP1 mutations; COMMON Syndrome; TUMOR PREDISPOSITION SYNDROME 1. Identifiers: Orphanet 289539, MedGen C3280492, MONDO:0013692, OMIM 614327.

gnomAD v4.1: 3 of 1,614,150 alleles (0.00019%); highest among the groups gnomAD compares: South Asian, 0.0022%; no homozygotes.

Submission:

Myriad Genetics, Inc.
Classification: Benign for BAP1-related tumor predisposition syndrome. Last evaluated: 2024-07-16. Review status: criteria provided, single submitter. Criteria: Myriad Autosomal Dominant, Autosomal Recessive and X-Linked Classification Criteria (2023). Collection method: clinical testing. Allele origin: unknown.
Comment: This variant is considered benign. This variant is a silent/synonymous amino acid change and it is not expected to impact splicing.